The following is an entry in ClinVar:

NM_001003800.2(BICD2):c.877AAC[1] (p.Asn294del)

Gene: BICD2 (BICD cargo adaptor 2; minus strand). Cytogenetic location: 9q22.31.
Variant type: Microsatellite.
Coding change: c.877AAC[1] on transcript NM_001003800.2 (MANE Select); one copy of the 3-base unit AAC starting at c.877; the reference has two copies in a row; one copy, 3 bases deleted; also written c.880_882del.
Protein change: p.Asn294del; deletes asparagine 294.
Molecular consequence: inframe deletion.
Genome position (GRCh38, 1-based): chr9:92,720,480-92,720,482, GTT deleted on the plus strand (AAC on the coding strand, the reverse complement: BICD2 is on the minus strand); deleting any 3 consecutive bases within chr9:92,720,480-92,720,486 gives the same sequence; the position shown is the placement nearest the transcript's 3' end. VCF-style (leftmost placement, unchanged base first): chr9-92720479-CGTT-C. GRCh37 (hg19) VCF-style: chr9-95482761-CGTT-C.
Other names: c.880_882del (NM_001003800.2); c.877AAC[1], p.Asn294del (NM_015250.4); short protein forms N294del.
Identifiers: ClinVar variation 2439513 (VCV002439513.7), dbSNP rs777900476, ClinGen allele CA5126704.
Genomic context (GRCh38, chr9:92,720,479, plus strand): 5'-TGTCCAGTGGCAGCTTGGCCAGGCCGCCGTGCTCAAAGCCATTGACCAGGGCCTCGGCAT[CGTT>C]GTTGGGCTCGGCAGCATCGTCACTGAACTTGAGGCCATCCAGCGAGACATGCAGGTGGCT-3'

ClinVar aggregate classification (germline): Uncertain significance. Review status: criteria provided, multiple submitters, no conflicts (2 of 4 stars). 3 submissions from 3 submitters: Uncertain significance (3). Last evaluated 2024-07-27.

Conditions:
Autosomal dominant childhood-onset proximal spinal muscular atrophy with contractures (SMALED2A). Also called: SPINAL MUSCULAR ATROPHY, LOWER EXTREMITY-PREDOMINANT, 2A, CHILDHOOD ONSET, AUTOSOMAL DOMINANT; Spinal muscular atrophy, lower extremity-predominant, 2A, autosomal dominant. Identifiers: Orphanet 363447, Orphanet 363454, MedGen C4747715, MONDO:0014121, OMIM 615290.

Submissions (3):

GeneDx
Classification: Uncertain significance. Last evaluated: 2024-07-27. Review status: criteria provided, single submitter. Criteria: GeneDx Variant Classification Process June 2021. Collection method: clinical testing. Allele origin: germline. Affected: yes.
Comment: In-frame deletion of 1 amino acid in a non-repeat region; In silico analysis supports a deleterious effect on protein structure/function; Has not been previously published as pathogenic or benign to our knowledge

Labcorp Genetics (formerly Invitae), Labcorp
Classification: Uncertain significance for Autosomal dominant childhood-onset proximal spinal muscular atrophy with contractures. Last evaluated: 2024-05-20. Review status: criteria provided, single submitter. Criteria: Invitae Variant Classification Sherloc (09022015). Collection method: clinical testing. Allele origin: germline.
Comment: This variant, c.880_882del, results in the deletion of 1 amino acid(s) of the BICD2 protein (p.Asn294del), but otherwise preserves the integrity of the reading frame. This variant is present in population databases (rs777900476, gnomAD 0.006%). This variant has not been reported in the literature in individuals affected with BICD2-related conditions. ClinVar contains an entry for this variant (Variation ID: 2439513). Experimental studies and prediction algorithms are not available or were not evaluated, and the functional significance of this variant is currently unknown. In summary, the available evidence is currently insufficient to determine the role of this variant in disease. Therefore, it has been classified as a Variant of Uncertain Significance.

Revvity Omics, Revvity
Classification: Uncertain significance. Last evaluated: 2019-12-28. Review status: criteria provided, single submitter. Criteria: ACMG Guidelines, 2015. Collection method: clinical testing. Allele origin: germline.